The following is an entry in ClinVar:

NM_014314.4(RIGI):c.297G>C (p.Lys99Asn)

Gene: RIGI (RNA sensor RIG-I; minus strand). Cytogenetic location: 9p21.1.
Variant type: single nucleotide variant.
Coding change: c.297G>C on transcript NM_014314.4 (MANE Select); coding-DNA position 297, G replaced by C.
Protein change: p.Lys99Asn; replaces lysine 99 with asparagine.
Molecular consequence: missense variant. On other transcripts: 5 prime UTR variant (3).
Genome position (GRCh38, 1-based): chr9:32,493,887, C>G on the plus strand (G>C on the coding strand, the complement: RIGI is on the minus strand). VCF-style: chr9-32493887-C-G. GRCh37 (hg19) VCF-style: chr9-32493885-C-G.
Other names: c.-158G>C (NM_001385914.1, NM_001385910.1); c.297G>C, p.Lys99Asn (NM_001385907.1, NM_001385909.1, NM_001385913.1); c.-165G>C (NM_001385912.1); short protein forms K99N.
Identifiers: ClinVar variation 2880895 (VCV002880895.3), dbSNP rs1287181888, ClinGen allele CA373165276.

ClinVar aggregate classification (germline): Uncertain significance (1 of 4 stars; one submission).

Submission:

Labcorp Genetics (formerly Invitae), Labcorp
Classification: Uncertain significance. Last evaluated: 2023-01-28. Review status: criteria provided, single submitter. Criteria: Invitae Variant Classification Sherloc (09022015). Collection method: clinical testing. Allele origin: germline.
Comment: This sequence change replaces lysine, which is basic and polar, with asparagine, which is neutral and polar, at codon 99 of the DDX58 protein (p.Lys99Asn). This variant is not present in population databases (gnomAD no frequency). This variant has not been reported in the literature in individuals affected with DDX58-related conditions. Algorithms developed to predict the effect of missense changes on protein structure and function output the following: SIFT: "Tolerated"; PolyPhen-2: "Benign"; Align-GVGD: "Class C0". The asparagine amino acid residue is found in multiple mammalian species, which suggests that this missense change does not adversely affect protein function. In summary, the available evidence is currently insufficient to determine the role of this variant in disease. Therefore, it has been classified as a Variant of Uncertain Significance.